The following is an entry in ClinVar:

ClinVar aggregate classification (germline): Uncertain significance (1 of 4 stars; one submission).

Conditions:
Inborn genetic diseases. Identifiers: MedGen C0950123, MeSH D030342.

Submission:

Ambry Genetics
Classification: Uncertain significance for Inborn genetic diseases. Last evaluated: 2026-04-20. Review status: criteria provided, single submitter. Criteria: Ambry Variant Classification Scheme 2023. Collection method: clinical testing. Allele origin: germline.
Comment: The p.E1024G variant (also known as c.3071A>G), located in coding exon 24 of the ANKRD26 gene, results from an A to G substitution at nucleotide position 3071. The glutamic acid at codon 1024 is replaced by glycine, an amino acid with similar properties. This amino acid position is conserved. In addition, this alteration is predicted to be tolerated by in silico analysis. Based on the available evidence, the clinical significance of this variant remains unclear.

NM_014915.3(ANKRD26):c.3071A>G (p.Glu1024Gly)

Gene: ANKRD26 (ankyrin repeat domain 26; minus strand). Cytogenetic location: 10p12.1.
Variant type: single nucleotide variant.
Coding change: c.3071A>G on transcript NM_014915.3 (MANE Select); coding-DNA position 3071, A replaced by G.
Protein change: p.Glu1024Gly; replaces glutamic acid 1024 with glycine.
Molecular consequence: missense variant.
Genome position (GRCh38, 1-based): chr10:27,035,379, T>C on the plus strand (A>G on the coding strand, the complement: ANKRD26 is on the minus strand). VCF-style: chr10-27035379-T-C. GRCh37 (hg19) VCF-style: chr10-27324308-T-C.
Other names: c.3068A>G, p.Glu1023Gly (NM_001256053.2); short protein forms E1023G, E1024G.
Identifiers: ClinVar variation 4859434 (VCV004859434.1).